The following is an entry in ClinVar:

NM_138780.3(SYTL5):c.220A>T (p.Ile74Phe)

Gene: SYTL5 (synaptotagmin like 5; plus strand). Cytogenetic location: Xp11.4.
Variant type: single nucleotide variant.
Coding change: c.220A>T on transcript NM_138780.3 (MANE Select); coding-DNA position 220, A replaced by T.
Protein change: p.Ile74Phe; replaces isoleucine 74 with phenylalanine.
Molecular consequence: missense variant.
Genome position (GRCh38, 1-based): chrX:38,054,313, A>T. VCF-style: chrX-38054313-A-T. GRCh37 (hg19) VCF-style: chrX-37913566-A-T.
Other names: c.220A>T, p.Ile74Phe (NM_001163334.1, NM_001163335.2); short protein forms I74F.
Identifiers: ClinVar variation 2238894 (VCV002238894.4), dbSNP rs147486310, ClinGen allele CA10384188.

ClinVar aggregate classification (germline): Uncertain significance. Review status: criteria provided, single submitter (1 of 4 stars). 2 submissions from 2 submitters: Uncertain significance (1). 1 of the submissions does not count toward it. Last evaluated 2021-07-20.

Conditions:
SYTL5-related disorder. Also called: SYTL5-related condition.

Allele frequency attached by ClinVar (database versions not stated): gnomAD exomes 0.00005; ExAC 0.00014; 1000 Genomes Project 30x 0.00042; gnomAD 0.00043; 1000 Genomes Project 0.00053; ESP Exome Variant Server 0.00057; TOPMed 0.00065.
gnomAD v4.1: 107 of 1,209,361 alleles (0.0088%); highest among the groups gnomAD compares: African/African-American, 0.15%; no homozygotes.

Submissions (2):

Ambry Genetics
Classification: Uncertain significance. Last evaluated: 2021-07-20. Review status: criteria provided, single submitter. Criteria: Ambry Variant Classification Scheme 2023. Collection method: clinical testing. Allele origin: germline.

PreventionGenetics, part of Exact Sciences
Classification: Likely benign for SYTL5-related condition. Last evaluated: 2021-07-09. Review status: no assertion criteria provided. Collection method: clinical testing. Allele origin: germline. Not counted in ClinVar's aggregate classification.
Comment: This variant is classified as likely benign based on ACMG/AMP sequence variant interpretation guidelines (Richards et al. 2015 PMID: 25741868, with internal and published modifications).